The following is an entry in ClinVar:

NC_000017.10:g.(?_29687485)_(29701173_?)del

Gene: NF1 (neurofibromin 1; plus strand). Cytogenetic location: 17q11.2.
Variant type: Deletion.
Identifiers: ClinVar variation 3242881 (VCV003242881.1).

ClinVar aggregate classification (germline): Pathogenic (1 of 4 stars; one submission).

Conditions:
Neurofibromatosis, type 1 (NF1). Also called: VON RECKLINGHAUSEN DISEASE; Neurofibromatosis, type I; Peripheral type neurofibromatosis; NEUROFIBROMATOSIS, TYPE I, SOMATIC. Identifiers: Orphanet 636, MedGen C0027831, MONDO:0018975, OMIM 162200. Disease mechanism: loss of function.

Submission:

Labcorp Genetics (formerly Invitae), Labcorp
Classification: Pathogenic for Neurofibromatosis, type 1. Last evaluated: 2023-04-05. Review status: criteria provided, single submitter. Criteria: Invitae Variant Classification Sherloc (09022015). Collection method: clinical testing. Allele origin: unknown.
Comment: For these reasons, this variant has been classified as Pathogenic. This variant disrupts a region of the NF1 protein in which other variant(s) (p.Ala2716Asp) have been determined to be pathogenic (Invitae). This suggests that this is a clinically significant region of the protein, and that variants that disrupt it are likely to be disease-causing. This variant has not been reported in the literature in individuals affected with NF1-related conditions. This variant is a gross deletion of the genomic region encompassing exon(s) 56-57 of the NF1 gene, which includes the termination codon. This deletion extends beyond the assayed region for this gene and therefore may encompass additional genes. While this deletion is not anticipated to lead to nonsense mediated decay, it is expected to alter mRNA translation or result in a truncated protein product.